The following is an entry in ClinVar:

NM_001927.4(DES):c.536A>T (p.Glu179Val)

Gene: DES (desmin; plus strand). Cytogenetic location: 2q35.
Variant type: single nucleotide variant.
Coding change: c.536A>T on transcript NM_001927.4 (MANE Select); coding-DNA position 536, A replaced by T.
Protein change: p.Glu179Val; replaces glutamic acid 179 with valine.
Molecular consequence: missense variant. On other transcripts: intron variant (1).
Genome position (GRCh38, 1-based): chr2:219,418,998, A>T. VCF-style: chr2-219418998-A-T. GRCh37 (hg19) VCF-style: chr2-220283720-A-T.
Other names: c.536A>T, p.Glu179Val (NM_001382708.1, NM_001382709.1, NM_001382710.1 and 2 more transcripts); c.495+41A>T (NM_001382713.1); short protein forms E179V.
Identifiers: ClinVar variation 2037361 (VCV002037361.4), dbSNP rs1432229838, ClinGen allele CA350686956.
Genomic context (GRCh38, chr2:219,418,998, plus strand): 5'-TGCGGGAGCTGCGGCGCCAGGTGGAGGTGCTCACTAACCAGCGCGCGCGCGTCGACGTCG[A>T]GCGCGACAACCTGCTCGACGACCTGCAGCGGCTCAAGGCCAAGTGAGGGCCCGGCACCCC-3'
Protein context (NP_001918.3, residues 169-189): LTNQRARVDV[Glu179Val]RDNLLDDLQR

ClinVar aggregate classification (germline): Uncertain significance (1 of 4 stars; one submission).

Conditions:
Desmin-related myofibrillar myopathy (MFM1). Also called: MYOFIBRILLAR MYOPATHY WITH ARRHYTHMOGENIC RIGHT VENTRICULAR CARDIOMYOPATHY; DESMIN-RELATED MYOPATHY WITH ARRHYTHMOGENIC RIGHT VENTRICULAR CARDIOMYOPATHY; Myofibrillar myopathy 1; Desminopathy; Desmin related myopathy (former name); Desmin storage myopathy (former name). Identifiers: Orphanet 363543, Orphanet 98909, MedGen C1832370, MONDO:0011076, OMIM 601419.

Allele frequency attached by ClinVar (database versions not stated): gnomAD exomes below 0.00001; gnomAD 0.00001.
gnomAD v4.1: 4 of 1,549,034 alleles (0.00026%); highest among the groups gnomAD compares: Non-Finnish European, 0.00035%; no homozygotes.

Submission:

Labcorp Genetics (formerly Invitae), Labcorp
Classification: Uncertain significance for Desmin-related myofibrillar myopathy. Last evaluated: 2026-01-27. Review status: criteria provided, single submitter. Criteria: Invitae Variant Classification Sherloc (09022015). Collection method: clinical testing. Allele origin: germline.
Comment: This sequence change replaces glutamic acid, which is acidic and polar, with valine, which is neutral and non-polar, at codon 179 of the DES protein (p.Glu179Val). This variant is not present in population databases (gnomAD no frequency). This variant has not been reported in the literature in individuals affected with DES-related conditions. ClinVar contains an entry for this variant (Variation ID: 2037361). Invitae Evidence Modeling of protein sequence and biophysical properties (such as structural, functional, and spatial information, amino acid conservation, physicochemical variation, residue mobility, and thermodynamic stability) indicates that this missense variant is expected to disrupt DES protein function with a positive predictive value of 95%. In summary, the available evidence is currently insufficient to determine the role of this variant in disease. Therefore, it has been classified as a Variant of Uncertain Significance.